The following is an entry in ClinVar:

NM_000308.4(CTSA):c.518del (p.Phe173fs)

Gene: CTSA (cathepsin A; plus strand). Cytogenetic location: 20q13.12.
Variant type: Deletion.
Coding change: c.518del on transcript NM_000308.4 (MANE Select); coding-DNA position 518, one base deleted (T; older notation c.518delT).
Protein change: p.Phe173fs; shifts the reading frame from phenylalanine 173.
Molecular consequence: frameshift variant. On other transcripts: non-coding transcript variant (1).
Genome position (GRCh38, 1-based): chr20:45,892,798, T deleted; the last of 4 consecutive T bases (chr20:45,892,795-45,892,798); deleting any one gives the same sequence. VCF-style (leftmost placement, unchanged base first): chr20-45892794-CT-C. GRCh37 (hg19) VCF-style: chr20-44521433-CT-C.
Other names: c.518del, p.Phe173fs (NM_001127695.3); c.467del, p.Phe156fs (NM_001167594.3); short protein forms F156fs, F173fs.
Identifiers: ClinVar variation 2727241 (VCV002727241.3), dbSNP rs769812697, ClinGen allele CA9883067.

ClinVar aggregate classification (germline): Pathogenic (1 of 4 stars; one submission).

Conditions:
Combined deficiency of sialidase AND beta galactosidase (GSL). Also called: CATHEPSIN A DEFICIENCY; GOLDBERG SYNDROME; NEURAMINIDASE DEFICIENCY WITH BETA-GALACTOSIDASE DEFICIENCY; NEURAMINIDASE/BETA-GALACTOSIDASE EXPRESSION; PPCA DEFICIENCY; PROTECTIVE PROTEIN/CATHEPSIN A DEFICIENCY. Identifiers: Orphanet 351, MedGen C0268233, MONDO:0009737, OMIM 256540.

Submission:

Labcorp Genetics (formerly Invitae), Labcorp
Classification: Pathogenic for Combined deficiency of sialidase AND beta galactosidase. Last evaluated: 2023-07-29. Review status: criteria provided, single submitter. Criteria: Invitae Variant Classification Sherloc (09022015). Collection method: clinical testing. Allele origin: germline.
Comment: For these reasons, this variant has been classified as Pathogenic. This sequence change creates a premature translational stop signal (p.Phe191Serfs*2) in the CTSA gene. It is expected to result in an absent or disrupted protein product. Loss-of-function variants in CTSA are known to be pathogenic (PMID: 15110321, 23915561). This variant is present in population databases (rs769812697, gnomAD 0.01%). This variant has not been reported in the literature in individuals affected with CTSA-related conditions.

Literature cited by the submitters: PubMed 15110321; PubMed 23915561.